The following is an entry in ClinVar:

ClinVar aggregate classification (germline): Uncertain significance (1 of 4 stars; one submission).

Conditions:
Leber congenital amaurosis 6 (LCA6). Identifiers: Orphanet 65, MedGen C1854260, MONDO:0013446, OMIM 613826.
Cone-rod dystrophy 13 (CORD13). Identifiers: Orphanet 1872, MedGen C2750720, MONDO:0011987, OMIM 608194.

Submission:

Labcorp Genetics (formerly Invitae), Labcorp
Classification: Uncertain significance for Leber congenital amaurosis 6; Cone-rod dystrophy 13. Last evaluated: 2020-03-16. Review status: criteria provided, single submitter. Criteria: Invitae Variant Classification Sherloc (09022015). Collection method: clinical testing. Allele origin: germline.
Comment: This sequence change replaces glutamine with arginine at codon 68 of the RPGRIP1 protein (p.Gln68Arg). The glutamine residue is weakly conserved and there is a small physicochemical difference between glutamine and arginine. This variant is not present in population databases (ExAC no frequency). This variant has not been reported in the literature in individuals with RPGRIP1-related conditions. Algorithms developed to predict the effect of missense changes on protein structure and function output the following: SIFT: "Tolerated"; PolyPhen-2: "Benign"; Align-GVGD: "Class C0". The arginine amino acid residue is found in multiple mammalian species, suggesting that this missense change does not adversely affect protein function. These predictions have not been confirmed by published functional studies and their clinical significance is uncertain. In summary, the available evidence is currently insufficient to determine the role of this variant in disease. Therefore, it has been classified as a Variant of Uncertain Significance.

NM_020366.4(RPGRIP1):c.203A>G (p.Gln68Arg)

Gene: RPGRIP1 (RPGR interacting protein 1; plus strand). Cytogenetic location: 14q11.2.
Variant type: single nucleotide variant.
Coding change: c.203A>G on transcript NM_020366.4 (MANE Select); coding-DNA position 203, A replaced by G.
Protein change: p.Gln68Arg; replaces glutamine 68 with arginine.
Molecular consequence: missense variant.
Genome position (GRCh38, 1-based): chr14:21,294,794, A>G. VCF-style: chr14-21294794-A-G. GRCh37 (hg19) VCF-style: chr14-21762953-A-G.
Other names: short protein forms Q68R.
Identifiers: ClinVar variation 1014811 (VCV001014811.8), dbSNP rs1880693286, ClinGen allele CA388857887.